The following is an entry in ClinVar:

ClinVar aggregate classification (germline): Pathogenic/Likely pathogenic. Review status: criteria provided, multiple submitters, no conflicts (2 of 4 stars). 9 submissions from 9 submitters: Pathogenic (6); Likely pathogenic (1). 2 of the submissions do not count toward it. Last evaluated 2025-12-28.

Conditions:
Niemann-Pick disease, type C (NPC). Identifiers: Orphanet 646, MedGen C0220756, MONDO:0018982.
Niemann-Pick disease, type C1. Also called: NIEMANN-PICK DISEASE, VARIANT TYPE C1; NEUROVISCERAL STORAGE DISEASE WITH VERTICAL SUPRANUCLEAR OPHTHALMOPLEGIA; NIEMANN-PICK DISEASE WITH CHOLESTEROL ESTERIFICATION BLOCK; NIEMANN-PICK DISEASE WITHOUT SPHINGOMYELINASE DEFICIENCY; NIEMANN-PICK DISEASE, CHRONIC NEURONOPATHIC FORM. Identifiers: Orphanet 646, MedGen C3179455, MONDO:0009757, OMIM 257220.

Allele frequency attached by ClinVar (database versions not stated): gnomAD exomes 0.00001; TOPMed below 0.00001; ExAC 0.00002.
gnomAD v4.1: 13 of 1,614,026 alleles (0.00081%); highest among the groups gnomAD compares: Non-Finnish European, 0.00085%; no homozygotes.

Submissions (9):

Labcorp Genetics (formerly Invitae), Labcorp
Classification: Pathogenic for Niemann-Pick disease, type C1. Last evaluated: 2025-12-28. Review status: criteria provided, single submitter. Criteria: Invitae Variant Classification Sherloc (09022015). Collection method: clinical testing. Allele origin: germline.
Comment: This sequence change replaces arginine, which is basic and polar, with cysteine, which is neutral and slightly polar, at codon 978 of the NPC1 protein (p.Arg978Cys). This variant is present in population databases (rs28942108, gnomAD 0.01%). This missense change has been observed in individual(s) with Niemann-Pick disease type C (NPC) (PMID: 11349231, 11479732, 15459971, 20718790, 22750297, 23427322, 23433426, 23774949, 26984608; internal data). In at least one individual the data is consistent with being in trans (on the opposite chromosome) from a pathogenic variant. It has also been observed to segregate with disease in related individuals. ClinVar contains an entry for this variant (Variation ID: 2976). Invitae Evidence Modeling of protein sequence and biophysical properties (such as structural, functional, and spatial information, amino acid conservation, physicochemical variation, residue mobility, and thermodynamic stability) indicates that this missense variant is expected to disrupt NPC1 protein function with a positive predictive value of 95%. Algorithms developed to predict the effect of sequence changes on RNA splicing suggest that this variant may create or strengthen a splice site. For these reasons, this variant has been classified as Pathogenic.

Natera, Inc.
Classification: Likely pathogenic for Niemann-Pick disease type C1. Last evaluated: 2025-07-31. Review status: criteria provided, single submitter. Criteria: Natera Variant Classification Schema (03/2026). Collection method: clinical testing. Allele origin: germline.
Comment: The c.2932C>T variant in NPC1 is a missense variant predicted to cause substitution of arginine to cysteine at amino acid 978. This variant is rare in the general population with a frequency below the threshold expected for the associated phenotype(s). This variant has been observed in one or more individuals affected with the associated recessive disease, as either homozygous or compound heterozygous with a second variant (PMID: 23433426, 23427322, 11479732, 11349231). Additionally, this variant has been observed to segregate in affected family members (PMID: 23433426). Computational prediction algorithms indicate this variant is likely to affect gene or protein function. Given the available evidence, this variant is classified as Likely Pathogenic.

Victorian Clinical Genetics Services, Murdoch Childrens Research Institute
Classification: Pathogenic for Niemann-Pick disease, type C1. Last evaluated: 2024-12-23. Review status: criteria provided, single submitter. Criteria: ACMG Guidelines, 2015. Collection method: clinical testing. Allele origin: germline. Affected: yes.
Comment: This variant is classified as Pathogenic. Evidence in support of pathogenic classification: Variant is present in gnomAD <0.01 (v4: 13 heterozygote(s), 0 homozygote(s)) ; This variant has strong previous evidence of pathogenicity in unrelated individuals. This variant has been reported in a compound heterozygous state in multiple individuals with Niemann-Pick disease type C (PMIDs: 15459971, 20718790, 23433426), and in a heterozygous state in at least one individual with Parkinson disease (PMID: 24035292). In addition, this variant has been classified as pathogenic and likely pathogenic by multiple clinical laboratories (ClinVar); Missense variant predicted to be damaging by in silico tool(s) or highly conserved with a major amino acid change. Additional information: Variant is predicted to result in a missense amino acid change from arginine to cysteine; This variant is heterozygous; This gene is associated with both recessive and dominant disease. DETAILS (SOURCE); Alternative amino acid change(s) at the same position are present in gnomAD (v4: 42 heterozygote(s), 0 homozygote(s)) ; Loss of function is a known mechanism of disease in this gene and is associated with Niemann-Pick disease, type C1 (MIM#257220); Variants in this gene are known to have variable expressivity. Phenotypic variability has been observed amongst individuals with the same pathogenic variant (PMID: 32138288); Inheritance information for this variant is not currently available in this individual.

GeneDx
Classification: Pathogenic. Last evaluated: 2019-10-21. Review status: criteria provided, single submitter. Criteria: GeneDx Variant Classification Process June 2021. Collection method: clinical testing. Allele origin: germline. Affected: yes.
Comment: Not observed at a significant frequency in large population cohorts (Lek et al., 2016); The majority of missense variants in this gene are considered pathogenic (Stenson et al., 2014); In silico analysis, which includes protein predictors and evolutionary conservation, supports a deleterious effect; Observed in individuals heterozygous for R978C and another pathogenic variant in NPC1 in association with variant Niemann-Pick disease type C biochemical phenotype and highly variable symptoms and age of onset, ranging from neonatal liver disease to gait ataxia and dysarthria at the age of 20 (Sun et al., 2001; Macias-Vidal et al., 2011; Di Leo et al., 2004; Abela et al., 2014; Perez-Poyato et al., 2012); This variant is associated with the following publications: (PMID: 22750297, 11349231, 15459971, 11479732, 26984608, 24035292, 20718790, 23433426, 28332184, 25425405, 31639011, 32138288, 31589614)

Genetic Services Laboratory, University of Chicago
Classification: Pathogenic. Last evaluated: 2017-12-01. Review status: criteria provided, single submitter. Criteria: ACMG Guidelines, 2015. Collection method: clinical testing. Allele origin: germline. Affected: yes.

Laboratory for Molecular Medicine, Mass General Brigham Personalized Medicine
Classification: Pathogenic for Niemann-Pick disease, type C. Last evaluated: 2017-11-24. Review status: criteria provided, single submitter. Criteria: ACMG Guidelines, 2015. Collection method: clinical testing. Allele origin: germline. Inheritance: Autosomal recessive inheritance.
Comment: The p.Arg978Cys variant in NPC1 has been reported in 1 heterozygous individual with Parkinson disease and 9 individuals with the variant form and/or juvenile/adult onset of Niemann-Pick disease type C (Di Leo 2004, Kluenemann 2013, Macia-Vidal 2011, Perez-Poyato 2012, Riberio 2001, Schicks 2013, Sedel 2016, Stampfer 2013, Sun 2001). All of the 9 individuals also carried another variant in NPC1 in trans, with at least 2 being known disease-causing variants. It also segregated along with another variant in NPC1 in trans in 4 affected relatives from 3 families (Di Leo 2004, Kluenemann 2013). This variant has also been reported in ClinVar (Variation ID 2976). p.Arg978Cys variant has been identified in 1/9848 of Ashkenazi Jewish and 2/111684 European chromosomes by the Genome Aggregation Database (gnomAD; rs28942108). Although this variant has been seen in the general population, its frequency is low enough to be consistent with carrier frequency for Niemann-Pick disease type C. Computational prediction tools and conservation analysis do not provide strong support for or against an impact to the protein. In summary, this variant meets criteria to be classified as pathogenic for the variant form of Niemann-Pick disease type C in an autosomal recessive manner. ACMG/AMP Criteria applied: PM2; PM3_VeryStrong; PP1.

Eurofins Ntd Llc (ga)
Classification: Pathogenic. Last evaluated: 2017-11-21. Review status: criteria provided, single submitter. Criteria: EGL Classification Definitions 2015. Collection method: clinical testing. Allele origin: germline. Observed: 2 variant alleles, 2 heterozygotes.

Counsyl
Classification: Likely pathogenic for Niemann-Pick disease, type C1. Last evaluated: 2016-01-21. Review status: no assertion criteria provided. Collection method: clinical testing. Allele origin: unknown. Not counted in ClinVar's aggregate classification.

OMIM
Classification: Pathogenic for NIEMANN-PICK DISEASE, TYPE C1. Last evaluated: 2001-07-01. Review status: no assertion criteria provided. Collection method: literature only. Allele origin: germline. Not counted in ClinVar's aggregate classification.

Literature cited by the submitters: PubMed 11349231 (cited by 5 submitters); PubMed 11479732 (cited by 6 submitters); PubMed 15459971 (cited by 4 submitters); PubMed 20718790 (cited by 4 submitters); PubMed 22750297 (cited by 3 submitters); PubMed 23427322 (cited by 4 submitters); PubMed 23433426 (cited by 5 submitters); PubMed 23774949 (cited by Labcorp Genetics (formerly Invitae), Labcorp and Counsyl); PubMed 26984608 (cited by Labcorp Genetics (formerly Invitae), Labcorp and Laboratory for Molecular Medicine, Mass General Brigham Personalized Medicine); PubMed 24035292 (cited by Victorian Clinical Genetics Services, Murdoch Childrens Research Institute and Laboratory for Molecular Medicine, Mass General Brigham Personalized Medicine); PubMed 32138288 (cited by Victorian Clinical Genetics Services, Murdoch Childrens Research Institute); PubMed 25425405 (cited by Laboratory for Molecular Medicine, Mass General Brigham Personalized Medicine); PubMed 26206375 (cited by Counsyl).

NM_000271.5(NPC1):c.2932C>T (p.Arg978Cys)

Gene: NPC1 (NPC intracellular cholesterol transporter 1; minus strand). Cytogenetic location: 18q11.2.
Variant type: single nucleotide variant.
Coding change: c.2932C>T on transcript NM_000271.5 (MANE Select); coding-DNA position 2932, C replaced by T.
Protein change: p.Arg978Cys; replaces arginine 978 with cysteine.
Molecular consequence: missense variant.
Genome position (GRCh38, 1-based): chr18:23,538,651, G>A on the plus strand (C>T on the coding strand, the complement: NPC1 is on the minus strand). VCF-style: chr18-23538651-G-A. GRCh37 (hg19) VCF-style: chr18-21118615-G-A.
Other names: short protein forms R978C.
Identifiers: ClinVar variation 2976 (VCV000002976.28), dbSNP rs28942108, ClinGen allele CA252501.
Genomic context (GRCh38, chr18:23,538,651, plus strand): 5'-ATCTCATGAAGTCTCCCCCCTGAGGCCTCTGTTTGCCTTCCGGAGTCAGAGGCCTGCAGC[G>A]AACGCAGGCAGGGTCAACCACTGGCGGAGACATGCAGGGAGGACTGTTAGAAGAATAGGT-3'
Protein context (NP_000262.2, residues 968-988): NASVVDPACV[Arg978Cys]CRPLTPEGKQ